The following is an entry in ClinVar:

NM_001291303.3(FAT4):c.169C>G (p.Pro57Ala)

Gene: FAT4 (FAT atypical cadherin 4; plus strand). Cytogenetic location: 4q28.1.
Variant type: single nucleotide variant.
Coding change: c.169C>G on transcript NM_001291303.3 (MANE Select); coding-DNA position 169, C replaced by G.
Protein change: p.Pro57Ala; replaces proline 57 with alanine.
Molecular consequence: missense variant.
Genome position (GRCh38, 1-based): chr4:125,316,580, C>G. VCF-style: chr4-125316580-C-G. GRCh37 (hg19) VCF-style: chr4-126237735-C-G.
Other names: c.169C>G, p.Pro57Ala (NM_001291285.3, NM_024582.6); short protein forms P57A.
Identifiers: ClinVar variation 1380109 (VCV001380109.8), dbSNP rs1730604770, ClinGen allele CA358115247.
Genomic context (GRCh38, chr4:125,316,580, plus strand): 5'-CAGGCCTGGGTCCACGGGGCCGAGCCGCGCCAGGTGTTCCAAGTGCTGGAAGAGCAACCT[C>G]CAGGCACTCTGGTAGGCACCATCCAGACGCGCCCCGGCTTCACCTACAGGCTCAGCGAAA-3'
Protein context (NP_001278232.1, residues 47-67): QVFQVLEEQP[Pro57Ala]GTLVGTIQTR

ClinVar aggregate classification (germline): Uncertain significance (1 of 4 stars; one submission).

Allele frequency attached by ClinVar (database versions not stated): gnomAD exomes 0.00002.
gnomAD v4.1: 9 of 1,614,052 alleles (0.00056%); highest among the groups gnomAD compares: East Asian, 0.02%; no homozygotes.

Submission:

Labcorp Genetics (formerly Invitae), Labcorp
Classification: Uncertain significance. Last evaluated: 2022-07-19. Review status: criteria provided, single submitter. Criteria: Invitae Variant Classification Sherloc (09022015). Collection method: clinical testing. Allele origin: germline.
Comment: In summary, the available evidence is currently insufficient to determine the role of this variant in disease. Therefore, it has been classified as a Variant of Uncertain Significance. Advanced modeling of protein sequence and biophysical properties (such as structural, functional, and spatial information, amino acid conservation, physicochemical variation, residue mobility, and thermodynamic stability) performed at Invitae indicates that this missense variant is not expected to disrupt FAT4 protein function. ClinVar contains an entry for this variant (Variation ID: 1380109). This variant has not been reported in the literature in individuals affected with FAT4-related conditions. This variant is not present in population databases (gnomAD no frequency). This sequence change replaces proline, which is neutral and non-polar, with alanine, which is neutral and non-polar, at codon 57 of the FAT4 protein (p.Pro57Ala).